The following is an entry in ClinVar:

ClinVar aggregate classification (germline): Uncertain significance (1 of 4 stars; one submission).

Conditions:
Werner syndrome (WRN). Identifiers: Orphanet 902, MedGen C0043119, MONDO:0010196, OMIM 277700.

Allele frequency attached by ClinVar (database versions not stated): TOPMed 0.00001; gnomAD exomes 0.00003 and 0.00005; ExAC 0.00006.
gnomAD v4.1: 41 of 1,613,528 alleles (0.0025%); highest among the groups gnomAD compares: South Asian, 0.044%; 1 homozygote.

Submission:

Labcorp Genetics (formerly Invitae), Labcorp
Classification: Uncertain significance for Werner syndrome. Last evaluated: 2024-08-21. Review status: criteria provided, single submitter. Criteria: Invitae Variant Classification Sherloc (09022015). Collection method: clinical testing. Allele origin: germline.
Comment: This sequence change replaces proline, which is neutral and non-polar, with leucine, which is neutral and non-polar, at codon 1077 of the WRN protein (p.Pro1077Leu). This variant is present in population databases (rs751843882, gnomAD 0.04%), including at least one homozygous and/or hemizygous individual. This variant has not been reported in the literature in individuals affected with WRN-related conditions. ClinVar contains an entry for this variant (Variation ID: 657848). An algorithm developed to predict the effect of missense changes on protein structure and function outputs the following: PolyPhen-2: "Benign". The leucine amino acid residue is found in multiple mammalian species, which suggests that this missense change does not adversely affect protein function. RNA analysis performed to evaluate the impact of this missense change on mRNA splicing indicates it does not significantly alter splicing (internal data). In summary, the available evidence is currently insufficient to determine the role of this variant in disease. Therefore, it has been classified as a Variant of Uncertain Significance.

NM_000553.6(WRN):c.3230C>T (p.Pro1077Leu)

Gene: WRN (WRN RecQ like helicase; plus strand). Cytogenetic location: 8p12.
Variant type: single nucleotide variant.
Coding change: c.3230C>T on transcript NM_000553.6 (MANE Select); coding-DNA position 3230, C replaced by T.
Protein change: p.Pro1077Leu; replaces proline 1077 with leucine.
Molecular consequence: missense variant.
Genome position (GRCh38, 1-based): chr8:31,141,772, C>T. VCF-style: chr8-31141772-C-T. GRCh37 (hg19) VCF-style: chr8-30999288-C-T.
Other names: short protein forms P1077L.
Identifiers: ClinVar variation 657848 (VCV000657848.7), dbSNP rs751843882, ClinGen allele CA4704966.
Genomic context (GRCh38, chr8:31,141,772, plus strand): 5'-AATCTCAGAGCCTCATCCTTCAAGCTAATGAAGAATTGTGTCCAAAGAAGTTGCTTCTGC[C>T]TAGGTTCATTTTTCAGTTTTTTTCTTGTAACTTCTGCATTTTTTGTTGCTATTTATGTGA-3'
Protein context (NP_000544.2, residues 1067-1087): EELCPKKLLL[Pro1077Leu]SSKTVSSGTK